The following is an entry in ClinVar:

ClinVar aggregate classification (germline): Benign/Likely benign. Review status: criteria provided, multiple submitters, no conflicts (2 of 4 stars). 3 submissions from 3 submitters: Benign (1); Likely benign (2). Last evaluated 2024-07-15.

Conditions:
Hereditary cancer-predisposing syndrome. Also called: Neoplastic Syndromes, Hereditary; Hereditary Cancer Syndrome; Hereditary neoplastic syndrome; Tumor predisposition. Identifiers: Orphanet 140162, MedGen C0027672, MeSH D009386, MONDO:0015356.
BAP1-related tumor predisposition syndrome (TPDS1). Also called: COMMON Syndrome; TUMOR PREDISPOSITION SYNDROME 1; BAP1 tumor predisposition syndrome; Tumor susceptibility linked to germline BAP1 mutations. Identifiers: Orphanet 289539, MedGen C3280492, MONDO:0013692, OMIM 614327.

Allele frequency attached by ClinVar (database versions not stated): gnomAD exomes 0.00001.
gnomAD v4.1: 6 of 1,614,126 alleles (0.00037%); highest among the groups gnomAD compares: Non-Finnish European, 0.00051%; no homozygotes.

Submissions (3):

Myriad Genetics, Inc.
Classification: Benign for BAP1-related tumor predisposition syndrome. Last evaluated: 2024-07-15. Review status: criteria provided, single submitter. Criteria: Myriad Autosomal Dominant, Autosomal Recessive and X-Linked Classification Criteria (2023). Collection method: clinical testing. Allele origin: unknown.
Comment: This variant is considered benign. This variant is a silent/synonymous amino acid change and it is not expected to impact splicing.

Labcorp Genetics (formerly Invitae), Labcorp
Classification: Likely benign for BAP1-related tumor predisposition syndrome. Last evaluated: 2023-12-30. Review status: criteria provided, single submitter. Criteria: Invitae Variant Classification Sherloc (09022015). Collection method: clinical testing. Allele origin: germline.

Ambry Genetics
Classification: Likely benign for Hereditary cancer-predisposing syndrome. Last evaluated: 2023-08-02. Review status: criteria provided, single submitter. Criteria: Ambry Variant Classification Scheme 2023. Collection method: clinical testing. Allele origin: germline.

NM_004656.4(BAP1):c.795A>G (p.Val265=)

Gene: BAP1 (BRCA1 associated deubiquitinase 1; minus strand). Cytogenetic location: 3p21.1.
Variant type: single nucleotide variant.
Coding change: c.795A>G on transcript NM_004656.4 (MANE Select); coding-DNA position 795, A replaced by G.
Protein change: p.Val265=; no amino-acid change (valine 265 retained).
Molecular consequence: synonymous variant.
Genome position (GRCh38, 1-based): chr3:52,405,901, T>C on the plus strand (A>G on the coding strand, the complement: BAP1 is on the minus strand). VCF-style: chr3-52405901-T-C. GRCh37 (hg19) VCF-style: chr3-52439917-T-C.
Other names: c.795A>G (NM_004656.2).
Identifiers: ClinVar variation 539939 (VCV000539939.13), dbSNP rs1553645516, ClinGen allele CA433775814.